The following is an entry in ClinVar:

ClinVar aggregate classification (germline): Uncertain significance (1 of 4 stars; one submission).

Allele frequency attached by ClinVar (database versions not stated): TOPMed below 0.00001; ExAC 0.00002.
gnomAD v4.1: 5 of 1,612,514 alleles (0.00031%); highest among the groups gnomAD compares: Middle Eastern, 0.016%; no homozygotes.

Submission:

GeneDx
Classification: Uncertain significance. Last evaluated: 2022-03-29. Review status: criteria provided, single submitter. Criteria: GeneDx Variant Classification Process June 2021. Collection method: clinical testing. Allele origin: germline. Affected: yes.
Comment: Has not been previously published as pathogenic or benign to our knowledge; In silico analysis supports that this missense variant does not alter protein structure/function

NM_022489.4(INF2):c.3427G>A (p.Ala1143Thr)

Gene: INF2 (inverted formin 2; plus strand). Cytogenetic location: 14q32.33.
Variant type: single nucleotide variant.
Coding change: c.3427G>A on transcript NM_022489.4 (MANE Select); coding-DNA position 3427, G replaced by A.
Protein change: p.Ala1143Thr; replaces alanine 1143 with threonine.
Molecular consequence: missense variant.
Genome position (GRCh38, 1-based): chr14:104,714,589, G>A. VCF-style: chr14-104714589-G-A. GRCh37 (hg19) VCF-style: chr14-105180926-G-A.
Other names: c.3427G>A, p.Ala1143Thr (NM_001031714.4); short protein forms A1143T.
Identifiers: ClinVar variation 1707777 (VCV001707777.2), dbSNP rs756746505, ClinGen allele CA7373247.